The following is an entry in ClinVar:

NM_001290060.2(SEMA3B):c.456C>T (p.Pro152=)

Gene: SEMA3B (semaphorin 3B; plus strand). Cytogenetic location: 3p21.31.
Variant type: single nucleotide variant.
Coding change: c.456C>T on transcript NM_001290060.2 (MANE Select); coding-DNA position 456, C replaced by T.
Protein change: p.Pro152=; no amino-acid change (proline 152 retained).
Molecular consequence: synonymous variant.
Genome position (GRCh38, 1-based): chr3:50,271,093, C>T. VCF-style: chr3-50271093-C-T. GRCh37 (hg19) VCF-style: chr3-50308524-C-T.
Other names: c.456C>T, p.Pro152= (NM_001005914.3, NM_001290061.1, NM_004636.4).
Identifiers: ClinVar variation 3355050 (VCV003355050.1).

ClinVar aggregate classification (germline): Likely benign (0 of 4 stars; one submission).

Conditions:
SEMA3B-related disorder. Also called: SEMA3B-related condition.

gnomAD v4.1: 16 of 1,579,108 alleles (0.001%); highest among the groups gnomAD compares: Admixed American, 0.011%; no homozygotes.

Submission:

PreventionGenetics, part of Exact Sciences
Classification: Likely benign for SEMA3B-related condition. Last evaluated: 2024-03-07. Review status: no assertion criteria provided. Collection method: clinical testing. Allele origin: germline.
Comment: This variant is classified as likely benign based on ACMG/AMP sequence variant interpretation guidelines (Richards et al. 2015 PMID: 25741868, with internal and published modifications).